The following is an entry in ClinVar:

NM_000030.3(AGXT):c.265G>A (p.Ala89Thr)

Gene: AGXT (alanine--glyoxylate aminotransferase; plus strand). Cytogenetic location: 2q37.3.
Variant type: single nucleotide variant.
Coding change: c.265G>A on transcript NM_000030.3 (MANE Select); coding-DNA position 265, G replaced by A.
Protein change: p.Ala89Thr; replaces alanine 89 with threonine.
Molecular consequence: missense variant.
Genome position (GRCh38, 1-based): chr2:240,869,269, G>A. VCF-style: chr2-240869269-G-A. GRCh37 (hg19) VCF-style: chr2-241808686-G-A.
Other names: short protein forms A89T.
Identifiers: ClinVar variation 2681159 (VCV002681159.2), dbSNP rs369184209, ClinGen allele CA2209039.

ClinVar aggregate classification (germline): Uncertain significance. Review status: criteria provided, multiple submitters, no conflicts (2 of 4 stars). 2 submissions from 2 submitters: Uncertain significance (2). Last evaluated 2024-05-31.

Conditions:
Primary hyperoxaluria, type I (HP1). Also called: OXALOSIS I; Primary hyperoxaluria type 1; GLYCOLIC ACIDURIA; HEPATIC AGT DEFICIENCY. Identifiers: Orphanet 416, Orphanet 93598, MedGen C0268164, MONDO:0009823, OMIM 259900. Disease mechanism: loss of function.

Allele frequency attached by ClinVar (database versions not stated): gnomAD 0.00001; TOPMed 0.00001; ExAC 0.00003.
gnomAD v4.1: 70 of 1,613,758 alleles (0.0043%); highest among the groups gnomAD compares: South Asian, 0.014%; no homozygotes.

Submissions (2):

Fulgent Genetics
Classification: Uncertain significance for Primary hyperoxaluria, type I. Last evaluated: 2024-05-31. Review status: criteria provided, single submitter. Criteria: ACMG Guidelines, 2015. Collection method: clinical testing. Allele origin: germline.

Clinical Biochemistry Laboratory, Health Services Laboratory
Classification: Uncertain significance for Primary hyperoxaluria, type I. Last evaluated: 2023-10-27. Review status: criteria provided, single submitter. Criteria: ACMG Guidelines, 2015. Collection method: curation. Allele origin: germline. Affected: yes.
Comment: ACMG:PM2 PP3

Literature cited by the submitters: PubMed 36185032 (cited by Clinical Biochemistry Laboratory, Health Services Laboratory).